The following is an entry in ClinVar:

NM_024675.4(PALB2):c.1434T>C (p.Ser478=)

Gene: PALB2 (partner and localizer of BRCA2; minus strand). Cytogenetic location: 16p12.2.
Variant type: single nucleotide variant.
Coding change: c.1434T>C on transcript NM_024675.4 (MANE Select); coding-DNA position 1434, T replaced by C.
Protein change: p.Ser478=; no amino-acid change (serine 478 retained).
Molecular consequence: synonymous variant. On other transcripts: intron variant (3).
Genome position (GRCh38, 1-based): chr16:23,635,112, A>G on the plus strand (T>C on the coding strand, the complement: PALB2 is on the minus strand). VCF-style: chr16-23635112-A-G. GRCh37 (hg19) VCF-style: chr16-23646433-A-G.
Other names: c.1374T>C, p.Ser458= (NM_001407296.1); c.1434T>C, p.Ser478= (NM_001407297.1, NM_001407298.1, NM_001407299.1 and 3 more transcripts); c.549T>C, p.Ser183= (NM_001407304.1, NM_001407305.1, NM_001407306.1 and 5 more transcripts); c.49-5837T>C (NM_001407314.1); c.-104-4643T>C (NM_001407313.1, NM_001407312.1).
Identifiers: ClinVar variation 2567581 (VCV002567581.3), dbSNP rs1394196009, ClinGen allele CA494461461.

ClinVar aggregate classification (germline): Benign/Likely benign. Review status: criteria provided, multiple submitters, no conflicts (2 of 4 stars). 2 submissions from 2 submitters: Benign (1); Likely benign (1). Last evaluated 2025-01-13.

Conditions:
Hereditary cancer-predisposing syndrome. Also called: Hereditary neoplastic syndrome; Hereditary Cancer Syndrome; Neoplastic Syndromes, Hereditary; Tumor predisposition. Identifiers: Orphanet 140162, MedGen C0027672, MeSH D009386, MONDO:0015356.
Familial cancer of breast. Also called: hereditary breast carcinoma; Hereditary breast cancer; BREAST CANCER, FAMILIAL. Identifiers: Orphanet 227535, MedGen C0346153, MONDO:0016419, OMIM 114480. Disease mechanism: loss of function.

Submissions (2):

Myriad Genetics, Inc.
Classification: Benign for Familial cancer of breast. Last evaluated: 2025-01-13. Review status: criteria provided, single submitter. Criteria: Myriad Autosomal Dominant, Autosomal Recessive and X-Linked Classification Criteria (2023). Collection method: clinical testing. Allele origin: unknown.
Comment: This variant is considered benign. This variant is a silent/synonymous amino acid change and it is not expected to impact splicing.

Ambry Genetics
Classification: Likely benign for Hereditary cancer-predisposing syndrome. Last evaluated: 2023-05-04. Review status: criteria provided, single submitter. Criteria: Ambry Variant Classification Scheme 2023. Collection method: clinical testing. Allele origin: germline.